The following is an entry in ClinVar:

ClinVar aggregate classification (germline): Uncertain significance (1 of 4 stars; one submission).

Conditions:
Familial hemophagocytic lymphohistiocytosis 5. Also called: STXBP2-Related Familial Hemophagocytic Lymphohistiocytosis (STXBP2-fHLH). Identifiers: Orphanet 540, MedGen C2751293, MONDO:0013135, OMIM 613101.

Submission:

Labcorp Genetics (formerly Invitae), Labcorp
Classification: Uncertain significance for Familial hemophagocytic lymphohistiocytosis 5. Last evaluated: 2022-01-05. Review status: criteria provided, single submitter. Criteria: Invitae Variant Classification Sherloc (09022015). Collection method: clinical testing. Allele origin: germline.
Comment: This variant has not been reported in the literature in individuals affected with STXBP2-related conditions. In summary, the available evidence is currently insufficient to determine the role of this variant in disease. Therefore, it has been classified as a Variant of Uncertain Significance. Algorithms developed to predict the effect of missense changes on protein structure and function are either unavailable or do not agree on the potential impact of this missense change (SIFT: "Tolerated"; PolyPhen-2: "Probably Damaging"; Align-GVGD: "Class C0"). ClinVar contains an entry for this variant (Variation ID: 1062658). This variant is not present in population databases (gnomAD no frequency). This sequence change replaces lysine, which is basic and polar, with asparagine, which is neutral and polar, at codon 363 of the STXBP2 protein (p.Lys363Asn).

NM_006949.4(STXBP2):c.1089G>C (p.Lys363Asn)

Gene: STXBP2 (syntaxin binding protein 2; plus strand). Cytogenetic location: 19p13.2.
Variant type: single nucleotide variant.
Coding change: c.1089G>C on transcript NM_006949.4 (MANE Select); coding-DNA position 1089, G replaced by C.
Protein change: p.Lys363Asn; replaces lysine 363 with asparagine.
Molecular consequence: missense variant.
Genome position (GRCh38, 1-based): chr19:7,643,227, G>C. VCF-style: chr19-7643227-G-C. GRCh37 (hg19) VCF-style: chr19-7708113-G-C.
Other names: c.1080G>C, p.Lys360Asn (NM_001127396.3); c.1122G>C, p.Lys374Asn (NM_001272034.2); short protein forms K360N, K363N, K374N.
Identifiers: ClinVar variation 1062658 (VCV001062658.7), dbSNP rs2031969287, ClinGen allele CA403160928.